The following is an entry in ClinVar:

ClinVar aggregate classification (germline): Likely benign. Review status: criteria provided, multiple submitters, no conflicts (2 of 4 stars). 2 submissions from 2 submitters: Likely benign (2). Last evaluated 2026-07-01.

gnomAD v4.1: 1,541 of 1,595,310 alleles (0.097%); highest among the groups gnomAD compares: Non-Finnish European, 0.12%; 3 homozygotes.

Submissions (2):

CeGaT Center for Human Genetics Tuebingen
Classification: Likely benign. Last evaluated: 2026-07-01. Review status: criteria provided, single submitter. Criteria: CeGaT Center For Human Genetics Tuebingen Variant Classification Criteria Version 2. Collection method: clinical testing. Allele origin: germline. Affected: yes. Observed: 1 variant allele.
Comment: TBC1D23: BP4, BP7

Blueprint Genetics
Classification: Likely benign. Last evaluated: 2024-10-09. Review status: criteria provided, single submitter. Criteria: ACMG Guidelines, 2015. Collection method: clinical testing. Allele origin: germline.

NM_001199198.3(TBC1D23):c.2005T>C (p.Leu669=)

Gene: TBC1D23 (TBC1 domain family member 23; plus strand). Cytogenetic location: 3q12.2.
Variant type: single nucleotide variant.
Coding change: c.2005T>C on transcript NM_001199198.3 (MANE Select); coding-DNA position 2005, T replaced by C.
Protein change: p.Leu669=; no amino-acid change (leucine 669 retained).
Molecular consequence: synonymous variant.
Genome position (GRCh38, 1-based): chr3:100,320,958, T>C. VCF-style: chr3-100320958-T-C. GRCh37 (hg19) VCF-style: chr3-100039802-T-C.
Other names: c.1960T>C, p.Leu654= (NM_018309.5).
Identifiers: ClinVar variation 4872997 (VCV004872997.3).